The following is an entry in ClinVar:

NM_005148.4(UNC119):c.353G>A (p.Arg118Gln)

Gene: UNC119 (unc-119 lipid binding chaperone; minus strand). Cytogenetic location: 17q11.2.
Variant type: single nucleotide variant.
Coding change: c.353G>A on transcript NM_005148.4 (MANE Select); coding-DNA position 353, G replaced by A.
Protein change: p.Arg118Gln; replaces arginine 118 with glutamine.
Molecular consequence: missense variant.
Genome position (GRCh38, 1-based): chr17:28,548,083, C>T on the plus strand (G>A on the coding strand, the complement: UNC119 is on the minus strand). VCF-style: chr17-28548083-C-T. GRCh37 (hg19) VCF-style: chr17-26875101-C-T.
Other names: c.68G>A, p.Arg23Gln (NM_001330166.2); c.353G>A, p.Arg118Gln (NM_054035.2); short protein forms R118Q, R23Q.
Identifiers: ClinVar variation 1004944 (VCV001004944.6), dbSNP rs368608427, ClinGen allele CA8459825.

ClinVar aggregate classification (germline): Uncertain significance. Review status: criteria provided, multiple submitters, no conflicts (2 of 4 stars). 2 submissions from 2 submitters: Uncertain significance (2). Last evaluated 2025-08-12.

Conditions:
Idiopathic CD4 lymphocytopenia. Also called: IDIOPATHIC CD4 LYMPHOPENIA; Immunodeficiency 13. Identifiers: Orphanet 228000, MedGen C3809768, MONDO:0014226, OMIM 615518.

Allele frequency attached by ClinVar (database versions not stated): gnomAD 0.00002; TOPMed 0.00003; ExAC 0.00005; gnomAD exomes 0.00006 and 0.00009; ESP Exome Variant Server 0.00008.
gnomAD v4.1: 134 of 1,613,470 alleles (0.0083%); highest among the groups gnomAD compares: Non-Finnish European, 0.011%; no homozygotes.

Submissions (2):

Labcorp Genetics (formerly Invitae), Labcorp
Classification: Uncertain significance. Last evaluated: 2025-08-12. Review status: criteria provided, single submitter. Criteria: Invitae Variant Classification Sherloc (09022015). Collection method: clinical testing. Allele origin: germline.
Comment: This sequence change replaces arginine, which is basic and polar, with glutamine, which is neutral and polar, at codon 118 of the UNC119 protein (p.Arg118Gln). This variant is present in population databases (rs368608427, gnomAD 0.01%). This variant has not been reported in the literature in individuals affected with UNC119-related conditions. ClinVar contains an entry for this variant (Variation ID: 1004944). An algorithm developed to predict the effect of missense changes on protein structure and function (PolyPhen-2) suggests that this variant is likely to be tolerated. In summary, the available evidence is currently insufficient to determine the role of this variant in disease. Therefore, it has been classified as a Variant of Uncertain Significance.

Fulgent Genetics
Classification: Uncertain significance for Idiopathic CD4 lymphocytopenia. Last evaluated: 2022-05-23. Review status: criteria provided, single submitter. Criteria: ACMG Guidelines, 2015. Collection method: clinical testing. Allele origin: unknown.